The following is an entry in ClinVar:

NM_005591.4(MRE11):c.1673C>G (p.Ser558Cys)

Gene: MRE11 (MRE11 double strand break repair nuclease; minus strand). Cytogenetic location: 11q21.
Variant type: single nucleotide variant.
Coding change: c.1673C>G on transcript NM_005591.4 (MANE Select); coding-DNA position 1673, C replaced by G.
Protein change: p.Ser558Cys; replaces serine 558 with cysteine.
Molecular consequence: missense variant.
Genome position (GRCh38, 1-based): chr11:94,447,329, G>C on the plus strand (C>G on the coding strand, the complement: MRE11 is on the minus strand). VCF-style: chr11-94447329-G-C. GRCh37 (hg19) VCF-style: chr11-94180495-G-C.
Other names: c.1673C>G, p.Ser558Cys (NM_001330347.2, NM_005590.4); short protein forms S558C.
Identifiers: ClinVar variation 407886 (VCV000407886.13), dbSNP rs776688385, ClinGen allele CA6235013.

ClinVar aggregate classification (germline): Uncertain significance. Review status: criteria provided, multiple submitters, no conflicts (2 of 4 stars). 2 submissions from 2 submitters: Uncertain significance (2). Last evaluated 2024-05-10.

Conditions:
Ataxia-telangiectasia-like disorder (ATLD). Identifiers: MedGen C1858391, MONDO:0011457.
Hereditary cancer-predisposing syndrome. Also called: Hereditary Cancer Syndrome; Hereditary neoplastic syndrome; Neoplastic Syndromes, Hereditary; Tumor predisposition. Identifiers: Orphanet 140162, MedGen C0027672, MeSH D009386, MONDO:0015356.

Allele frequency attached by ClinVar (database versions not stated): gnomAD exomes below 0.00001; ExAC 0.00001; gnomAD 0.00001; TOPMed 0.00002.
gnomAD v4.1: 4 of 1,613,962 alleles (0.00025%); highest among the groups gnomAD compares: Non-Finnish European, 0.00034%; no homozygotes.

Submissions (2):

Ambry Genetics
Classification: Uncertain significance for Hereditary cancer-predisposing syndrome. Last evaluated: 2024-05-10. Review status: criteria provided, single submitter. Criteria: Ambry Variant Classification Scheme 2023. Collection method: clinical testing. Allele origin: germline.
Comment: The p.S558C variant (also known as c.1673C>G), located in coding exon 14 of the MRE11A gene, results from a C to G substitution at nucleotide position 1673. The serine at codon 558 is replaced by cysteine, an amino acid with dissimilar properties. This amino acid position is well conserved in available vertebrate species. In addition, this alteration is predicted to be tolerated by in silico analysis. Since supporting evidence is limited at this time, the clinical significance of this alteration remains unclear.

Labcorp Genetics (formerly Invitae), Labcorp
Classification: Uncertain significance for Ataxia-telangiectasia-like disorder. Last evaluated: 2023-02-08. Review status: criteria provided, single submitter. Criteria: Invitae Variant Classification Sherloc (09022015). Collection method: clinical testing. Allele origin: germline.
Comment: This sequence change replaces serine, which is neutral and polar, with cysteine, which is neutral and slightly polar, at codon 558 of the MRE11 protein (p.Ser558Cys). This variant is present in population databases (rs776688385, gnomAD 0.0009%). This variant has not been reported in the literature in individuals affected with MRE11-related conditions. ClinVar contains an entry for this variant (Variation ID: 407886). Algorithms developed to predict the effect of missense changes on protein structure and function are either unavailable or do not agree on the potential impact of this missense change (SIFT: "Deleterious"; PolyPhen-2: "Probably Damaging"; Align-GVGD: "Class C15"). In summary, the available evidence is currently insufficient to determine the role of this variant in disease. Therefore, it has been classified as a Variant of Uncertain Significance.